The following is an entry in ClinVar:

NM_017909.4(RMND1):c.1210G>A (p.Glu404Lys)

Gene: RMND1 (required for meiotic nuclear division 1 homolog; minus strand). Cytogenetic location: 6q25.1.
Variant type: single nucleotide variant.
Coding change: c.1210G>A on transcript NM_017909.4 (MANE Select); coding-DNA position 1210, G replaced by A.
Protein change: p.Glu404Lys; replaces glutamic acid 404 with lysine.
Molecular consequence: missense variant.
Genome position (GRCh38, 1-based): chr6:151,405,827, C>T on the plus strand (G>A on the coding strand, the complement: RMND1 is on the minus strand). VCF-style: chr6-151405827-C-T. GRCh37 (hg19) VCF-style: chr6-151726962-C-T.
Other names: c.700G>A, p.Glu234Lys (NM_001271937.2); short protein forms E404K, E234K.
Identifiers: ClinVar variation 1349886 (VCV001349886.6), dbSNP rs2114908460, ClinGen allele CA366092413.

ClinVar aggregate classification (germline): Uncertain significance (1 of 4 stars; one submission).

Allele frequency attached by ClinVar (database versions not stated): gnomAD exomes below 0.00001.
gnomAD v4.1: 1 of 1,591,334 alleles (0.000063%); highest among the groups gnomAD compares: South Asian, 0.0011%; no homozygotes.

Submission:

Labcorp Genetics (formerly Invitae), Labcorp
Classification: Uncertain significance. Last evaluated: 2021-12-02. Review status: criteria provided, single submitter. Criteria: Invitae Variant Classification Sherloc (09022015). Collection method: clinical testing. Allele origin: germline.
Comment: In summary, the available evidence is currently insufficient to determine the role of this variant in disease. Therefore, it has been classified as a Variant of Uncertain Significance. This sequence change replaces glutamic acid, which is acidic and polar, with lysine, which is basic and polar, at codon 404 of the RMND1 protein (p.Glu404Lys). This variant is not present in population databases (gnomAD no frequency). This variant has not been reported in the literature in individuals affected with RMND1-related conditions. Algorithms developed to predict the effect of missense changes on protein structure and function are either unavailable or do not agree on the potential impact of this missense change (SIFT: "Tolerated"; PolyPhen-2: "Probably Damaging"; Align-GVGD: "Class C0").